The following is an entry in ClinVar:

NM_001386298.1(CIC):c.2518G>A (p.Gly840Arg)

Gene: CIC (capicua transcriptional repressor; plus strand). Cytogenetic location: 19q13.2.
Variant type: single nucleotide variant.
Coding change: c.2518G>A on transcript NM_001386298.1 (MANE Select); coding-DNA position 2518, G replaced by A.
Protein change: p.Gly840Arg; replaces glycine 840 with arginine.
Molecular consequence: missense variant.
Genome position (GRCh38, 1-based): chr19:42,274,301, G>A. VCF-style: chr19-42274301-G-A. GRCh37 (hg19) VCF-style: chr19-42778453-G-A.
Other names: c.2518G>A, p.Gly840Arg (NM_001304815.2, NM_001379480.1, NM_001379482.1 and 6 more transcripts); short protein forms G840R.
Identifiers: ClinVar variation 4992750 (VCV004992750.1).

ClinVar aggregate classification (germline): Uncertain significance (1 of 4 stars; one submission).

Conditions:
CIC-related disorder. Also called: CIC-related condition.

gnomAD v4.1: 3 of 398,620 alleles (0.00075%); highest among the groups gnomAD compares: Non-Finnish European, 0.0013%; no homozygotes.

Submission:

PreventionGenetics, part of Exact Sciences
Classification: Uncertain significance for CIC-related condition. Last evaluated: 2026-07-27. Review status: criteria provided, single submitter. Criteria: ACMG Guidelines, 2015. Collection method: clinical testing. Allele origin: germline.
Comment: The CIC c.2518G>A variant is predicted to result in the amino acid substitution p.Gly840Arg. To our knowledge, this variant has not been reported in the literature or in a large population database (gnomAD), indicating this variant is rare. At this time, the clinical significance of this variant is uncertain due to the absence of conclusive functional and genetic evidence.